The following is an entry in ClinVar:

NM_001099271.2(POC5):c.1336G>A (p.Ala446Thr)

Gene: POC5 (POC5 centriolar protein; minus strand). Cytogenetic location: 5q13.3.
Variant type: single nucleotide variant.
Coding change: c.1336G>A on transcript NM_001099271.2 (MANE Select); coding-DNA position 1336, G replaced by A.
Protein change: p.Ala446Thr; replaces alanine 446 with threonine.
Molecular consequence: missense variant.
Genome position (GRCh38, 1-based): chr5:75,685,278, C>T on the plus strand (G>A on the coding strand, the complement: POC5 is on the minus strand). VCF-style: chr5-75685278-C-T. GRCh37 (hg19) VCF-style: chr5-74981103-C-T.
Other names: c.1261G>A, p.Ala421Thr (NM_152408.3); c.1336G>A (NM_001099271.1); short protein forms A421T, A446T.
Identifiers: ClinVar variation 1653918 (VCV001653918.35), dbSNP rs34678567, ClinGen allele CA3310338.

ClinVar aggregate classification (germline): Conflicting classifications of pathogenicity. Review status: criteria provided, conflicting classifications (1 of 4 stars). 6 submissions from 6 submitters: Uncertain significance (1); Benign (4). 1 of the submissions does not count toward it. Last evaluated 2026-02-01.

Conditions:
POC5-related disorder. Also called: POC5-related condition.
Retinal dystrophy. Also called: Inherited retinal dystrophy. Identifiers: Orphanet 71862, MedGen C0854723, MeSH D058499, MONDO:0019118, HP:0000556.

Allele frequency attached by ClinVar (database versions not stated): 1000 Genomes Project 0.00339; 1000 Genomes Project 30x 0.00344; TOPMed 0.00960; ExAC 0.01101; ESP Exome Variant Server 0.01197.

Submissions (6):

Labcorp Genetics (formerly Invitae), Labcorp
Classification: Benign. Last evaluated: 2026-02-01. Review status: criteria provided, single submitter. Criteria: Invitae Variant Classification Sherloc (09022015). Collection method: clinical testing. Allele origin: germline.

CeGaT Center for Human Genetics Tuebingen
Classification: Benign. Last evaluated: 2025-10-01. Review status: criteria provided, single submitter. Criteria: CeGaT Center For Human Genetics Tuebingen Variant Classification Criteria Version 2. Collection method: clinical testing. Allele origin: germline. Affected: yes. Observed: 7 variant alleles.
Comment: POC5: BP4, BS1, BS2

Mendelics
Classification: Benign. Last evaluated: 2022-05-04. Review status: criteria provided, single submitter. Criteria: Mendelics Assertion Criteria 2019. Collection method: clinical testing. Allele origin: germline.

Institute of Human Genetics, Univ. Regensburg, Univ. Regensburg
Classification: Uncertain significance for Retinal dystrophy. Last evaluated: 2022-01-01. Review status: criteria provided, single submitter. Criteria: ACMG Guidelines, 2015. Collection method: clinical testing. Allele origin: germline. Affected: yes.

Breakthrough Genomics
Classification: Benign. Review status: criteria provided, single submitter. Criteria: ACMG Guidelines, 2015. Collection method: not provided. Allele origin: germline. Inheritance: Unknown mechanism. Affected: yes.

PreventionGenetics, part of Exact Sciences
Classification: Likely benign for POC5-related condition. Last evaluated: 2022-09-30. Review status: no assertion criteria provided. Collection method: clinical testing. Allele origin: germline. Not counted in ClinVar's aggregate classification.
Comment: This variant is classified as likely benign based on ACMG/AMP sequence variant interpretation guidelines (Richards et al. 2015 PMID: 25741868, with internal and published modifications).

Literature cited by the submitters: PubMed 25642776 (cited by Institute of Human Genetics, Univ. Regensburg, Univ. Regensburg); PubMed 34426522 (cited by Institute of Human Genetics, Univ. Regensburg, Univ. Regensburg); PubMed 34356048 (cited by Institute of Human Genetics, Univ. Regensburg, Univ. Regensburg).